The following is an entry in ClinVar:

ClinVar aggregate classification (germline): Likely pathogenic (1 of 4 stars; one submission).

Conditions:
Early-infantile DEE. Also called: Early infantile epileptic encephalopathy; Early infantile epileptic encephalopathy with suppression bursts; Ohtahara syndrome. Identifiers: Orphanet 1934, MedGen C0393706, MONDO:0800491.

Submission:

Labcorp Genetics (formerly Invitae), Labcorp
Classification: Likely pathogenic for Early-infantile DEE. Last evaluated: 2018-01-18. Review status: criteria provided, single submitter. Criteria: Invitae Variant Classification Sherloc (09022015). Collection method: clinical testing. Allele origin: germline.
Comment: This sequence change replaces glycine with alanine at codon 1655 of the SCN1A protein (p.Gly1655Ala). The glycine residue is highly conserved and there is a small physicochemical difference between glycine and alanine. This variant is not present in population databases (ExAC no frequency). In summary, the currently available evidence indicates that the variant is pathogenic, but additional data are needed to prove that conclusively. Therefore, this variant has been classified as Likely Pathogenic. This variant identified in the SCN1A gene is located in the transmembrane spanning D4-S4 region of the resulting protein (PMID: 25348405, 18804930), but it is unclear how this variant impacts the function of this protein. Algorithms developed to predict the effect of missense changes on protein structure and function (SIFT, PolyPhen-2, Align-GVGD) all suggest that this variant is likely to be disruptive, but these predictions have not been confirmed by published functional studies and their clinical significance is uncertain.

Literature cited by the submitters: PubMed 25348405; PubMed 18804930.

NM_001165963.4(SCN1A):c.4964G>C (p.Gly1655Ala)

Genes: SCN1A (sodium voltage-gated channel alpha subunit 1; minus strand), LOC102724058 (uncharacterized LOC102724058; plus strand). Cytogenetic location: 2q24.3.
Variant type: single nucleotide variant.
Coding change: c.4964G>C on transcript NM_001165963.4 (MANE Select); coding-DNA position 4964, G replaced by C.
Protein change: p.Gly1655Ala; replaces glycine 1655 with alanine.
Molecular consequence: missense variant. On other transcripts: non-coding transcript variant (1).
Genome position (GRCh38, 1-based): chr2:165,992,311, C>G on the plus strand (G>C on the coding strand, the complement: SCN1A is on the minus strand). VCF-style: chr2-165992311-C-G. GRCh37 (hg19) VCF-style: chr2-166848821-C-G.
Other names: c.4880G>C, p.Gly1627Ala (NM_001165964.3, NM_001353957.2, NM_001353958.2); c.4964G>C, p.Gly1655Ala (NM_001202435.3, NM_001353948.2); c.4931G>C, p.Gly1644Ala (NM_001353949.2, NM_001353950.2, NM_001353951.2 and 2 more transcripts); c.4928G>C, p.Gly1643Ala (NM_001353954.2, NM_001353955.2); c.4877G>C, p.Gly1626Ala (NM_001353960.2); c.2522G>C, p.Gly841Ala (NM_001353961.2); short protein forms G1644A, G1655A, G1643A, G841A, G1626A, G1627A.
Identifiers: ClinVar variation 530512 (VCV000530512.9), dbSNP rs1553520439, ClinGen allele CA349069969.